The following is an entry in ClinVar:

ClinVar aggregate classification (germline): Conflicting classifications of pathogenicity. Review status: criteria provided, conflicting classifications (1 of 4 stars). 3 submissions from 3 submitters: Uncertain significance (2); Likely benign (1). Last evaluated 2026-03-19.

Conditions:
TTN-related disorder. Also called: TTN-related condition; TTN-related disease; TTN-related disorders.

Allele frequency attached by ClinVar (database versions not stated): gnomAD 0.00002 and 0.00003; ExAC 0.00003; gnomAD exomes 0.00003; TOPMed 0.00003.
gnomAD v4.1: 46 of 1,608,050 alleles (0.0029%); highest among the groups gnomAD compares: Middle Eastern, 0.017%; no homozygotes.

Submissions (3):

PreventionGenetics, part of Exact Sciences
Classification: Uncertain significance for TTN-related condition. Last evaluated: 2026-03-19. Review status: criteria provided, single submitter. Criteria: ACMG Guidelines, 2015. Collection method: clinical testing. Allele origin: germline.
Comment: The TTN c.39368C>T variant is predicted to result in the amino acid substitution p.Ala13123Val. To our knowledge, this variant has not been reported in the literature. This variant is reported in 0.020% of alleles in individuals of Ashkenazi Jewish descent in gnomAD. At this time, the clinical significance of this variant is uncertain due to the absence of conclusive functional and genetic evidence.

GeneDx
Classification: Likely benign. Last evaluated: 2020-03-31. Review status: criteria provided, single submitter. Criteria: GeneDx Variant Classification Process June 2021. Collection method: clinical testing. Allele origin: germline. Affected: yes.

Eurofins Ntd Llc (ga)
Classification: Uncertain significance. Last evaluated: 2018-08-10. Review status: criteria provided, single submitter. Criteria: EGL ClinVar v180209 classification definitions. Collection method: clinical testing. Allele origin: germline. Observed: 1 variant allele, 1 heterozygote.

NM_001267550.2(TTN):c.39368C>T (p.Ala13123Val)

Gene: TTN (titin; minus strand). Cytogenetic location: 2q31.2.
Variant type: single nucleotide variant.
Coding change: c.39368C>T on transcript NM_001267550.2 (MANE Select); coding-DNA position 39368, C replaced by T.
Protein change: p.Ala13123Val; replaces alanine 13123 with valine.
Molecular consequence: missense variant. On other transcripts: intron variant (3).
Genome position (GRCh38, 1-based): chr2:178,651,895, G>A on the plus strand (C>T on the coding strand, the complement: TTN is on the minus strand). VCF-style: chr2-178651895-G-A. GRCh37 (hg19) VCF-style: chr2-179516622-G-A.
Other names: c.34847C>T, p.Ala11616Val (NM_001256850.1); c.32066C>T, p.Ala10689Val (NM_133378.4); c.13283-9578C>T (NM_003319.4); c.13859-9578C>T (NM_133437.4); c.13658-9578C>T (NM_133432.3); short protein forms A11616V, A13123V, A10689V.
Identifiers: ClinVar variation 506426 (VCV000506426.8), dbSNP rs761828404, ClinGen allele CA1996756.